The following is an entry in ClinVar:

NM_000059.4(BRCA2):c.4307T>C (p.Ile1436Thr)

Gene: BRCA2 (BRCA2 DNA repair associated; plus strand). Cytogenetic location: 13q13.1.
Variant type: single nucleotide variant.
Coding change: c.4307T>C on transcript NM_000059.4 (MANE Select); coding-DNA position 4307, T replaced by C.
Protein change: p.Ile1436Thr; replaces isoleucine 1436 with threonine.
Molecular consequence: missense variant.
Genome position (GRCh38, 1-based): chr13:32,338,662, T>C. VCF-style: chr13-32338662-T-C. GRCh37 (hg19) VCF-style: chr13-32912799-T-C.
Other names: short protein forms I1436T.
Identifiers: ClinVar variation 441334 (VCV000441334.23), dbSNP rs746472081, ClinGen allele CA6940769.
Genomic context (GRCh38, chr13:32,338,662, plus strand): 5'-AAAATATAAAAGATTTTGAGACTTCTGATACATTTTTTCAGACTGCAAGTGGGAAAAATA[T>C]TAGTGTCGCCAAAGAGTCATTTAATAAAATTGTAAATTTCTTTGATCAGAAACCAGAAGA-3'
Protein context (NP_000050.3, residues 1426-1446): TFFQTASGKN[Ile1436Thr]SVAKESFNKI

ClinVar aggregate classification (germline): Conflicting classifications of pathogenicity. Review status: criteria provided, conflicting classifications (1 of 4 stars). 7 submissions from 7 submitters: Uncertain significance (4); Likely benign (3). Last evaluated 2025-09-23.

Conditions:
Hereditary cancer-predisposing syndrome. Also called: Hereditary Cancer Syndrome; Hereditary neoplastic syndrome; Neoplastic Syndromes, Hereditary; Tumor predisposition. Identifiers: Orphanet 140162, MedGen C0027672, MeSH D009386, MONDO:0015356.
Hereditary breast ovarian cancer syndrome. Also called: Hereditary breast and ovarian cancer; Breast and ovarian cancer; Hereditary breast and ovarian cancer syndrome; Hereditary breast and/or ovarian cancer syndrome; BRCA1- and BRCA2-Associated Hereditary Breast and Ovarian Cancer; Hereditary breast and ovarian cancer syndrome (HBOC). Identifiers: Orphanet 145, MedGen C0677776, MeSH D061325, MONDO:0003582. Disease mechanism: loss of function.

Allele frequency attached by ClinVar (database versions not stated): gnomAD exomes below 0.00001; TOPMed below 0.00001; ExAC 0.00001.
gnomAD v4.1: 3 of 1,597,192 alleles (0.00019%); highest among the groups gnomAD compares: East Asian, 0.0067%; no homozygotes.

Submissions (7):

Labcorp Genetics (formerly Invitae), Labcorp
Classification: Uncertain significance for Hereditary breast ovarian cancer syndrome. Last evaluated: 2025-09-23. Review status: criteria provided, single submitter. Criteria: Invitae Variant Classification Sherloc (09022015). Collection method: clinical testing. Allele origin: germline.
Comment: This sequence change replaces isoleucine, which is neutral and non-polar, with threonine, which is neutral and polar, at codon 1436 of the BRCA2 protein (p.Ile1436Thr). This variant is present in population databases (rs746472081, gnomAD 0.006%). This missense change has been observed in individual(s) with breast and/or hepatocellular carcinoma (PMID: 32879886). ClinVar contains an entry for this variant (Variation ID: 441334). Invitae Evidence Modeling of protein sequence and biophysical properties (such as structural, functional, and spatial information, amino acid conservation, physicochemical variation, residue mobility, and thermodynamic stability) indicates that this missense variant is not expected to disrupt BRCA2 protein function with a negative predictive value of 95%. In summary, the available evidence is currently insufficient to determine the role of this variant in disease. Therefore, it has been classified as a Variant of Uncertain Significance.

ARUP Laboratories, Molecular Genetics and Genomics, ARUP Laboratories
Classification: Likely benign. Last evaluated: 2025-06-12. Review status: criteria provided, single submitter. Criteria: ARUP Molecular Germline Variant Investigation Process 2024. Collection method: clinical testing. Allele origin: germline.

Center for Genomic Medicine, Rigshospitalet, Copenhagen University Hospital
Classification: Likely benign. Last evaluated: 2025-03-04. Review status: criteria provided, single submitter. Criteria: ACMG Guidelines, 2015. Collection method: clinical testing. Allele origin: germline.

Quest Diagnostics Nichols Institute San Juan Capistrano
Classification: Uncertain significance. Last evaluated: 2025-02-05. Review status: criteria provided, single submitter. Criteria: Quest Diagnostics criteria. Collection method: clinical testing. Allele origin: unknown.
Comment: The BRCA2 c.4307T>C (p.Ile1436Thr) variant has been reported in individuals with breast cancer (PMID: 32879886 (2020), 35864222 (2022)), as well as a reportedly healthy individual (PMID: 29641532 (2018)). This variant has also been reported to be located in a region of the BRCA2 gene that is tolerant to missense sequence changes (PMID: 31911673 (2020)). The frequency of this variant in the general population (Genome Aggregation Database) is uninformative in the assessment of its pathogenicity. Analysis of this variant using bioinformatics tools for the prediction of the effect of amino acid changes on protein structure and function yielded conflicting predictions that this variant is benign or damaging. Based on the available information, we are unable to determine the clinical significance of this variant.

Color Diagnostics, LLC DBA Color Health
Classification: Uncertain significance for Hereditary cancer-predisposing syndrome. Last evaluated: 2025-02-03. Review status: criteria provided, single submitter. Criteria: ACMG Guidelines, 2015. Collection method: clinical testing. Allele origin: germline.
Comment: This missense variant replaces isoleucine with threonine at codon 1436 of the BRCA2 protein. Computational prediction suggests that this variant may not impact protein structure and function. To our knowledge, functional studies have not been reported for this variant. This variant has been reported in an individual affected with breast cancer (PMID: 32879886). A multifactorial analysis has reported a likelihood ratio for pathogenicity based on personal and family history of 0.831 from log(LR)=-0.080561876 in 1 carrier (PMID: 31853058). This variant has also been identified in 1/243748 chromosomes in the general population by the Genome Aggregation Database (gnomAD). The available evidence is insufficient to determine the role of this variant in disease conclusively. Therefore, this variant is classified as a Variant of Uncertain Significance.

Ambry Genetics
Classification: Uncertain significance for Hereditary cancer-predisposing syndrome. Last evaluated: 2024-11-11. Review status: criteria provided, single submitter. Criteria: Ambry Variant Classification Scheme 2023. Collection method: clinical testing. Allele origin: germline.
Comment: The p.I1436T variant (also known as c.4307T>C), located in coding exon 10 of the BRCA2 gene, results from a T to C substitution at nucleotide position 4307. The isoleucine at codon 1436 is replaced by threonine, an amino acid with similar properties. This amino acid position is not well conserved in available vertebrate species. In addition, the in silico prediction for this alteration is inconclusive. Based on the available evidence, the clinical significance of this variant remains unclear.

University of Washington Department of Laboratory Medicine, University of Washington
Classification: Likely benign for Hereditary cancer-predisposing syndrome. Last evaluated: 2023-03-23. Review status: criteria provided, single submitter. Criteria: Dines et al. (Genet Med. 2020). Collection method: curation. Allele origin: germline.
Comment: Missense variant in a coldspot region where missense variants are very unlikely to be pathogenic (PMID:31911673).

BRCA2 exon 11 coldspot. Reclassification based on statistical prior probability.

Literature cited by the submitters: PubMed 32879886 (cited by 3 submitters); PubMed 31911673 (cited by Quest Diagnostics Nichols Institute San Juan Capistrano); PubMed 35864222 (cited by Quest Diagnostics Nichols Institute San Juan Capistrano); PubMed 31853058 (cited by Quest Diagnostics Nichols Institute San Juan Capistrano and Color Diagnostics, LLC DBA Color Health); PubMed 29641532 (cited by Quest Diagnostics Nichols Institute San Juan Capistrano).